The following is an entry in ClinVar:

ClinVar aggregate classification (germline): Uncertain significance (1 of 4 stars; one submission).

Conditions:
Gastrointestinal stromal tumor. Also called: Gastrointestinal stromal tumor, somatic; Gastrointestinal stroma tumor. Identifiers: Orphanet 44890, MedGen C0238198, MeSH D046152, MONDO:0011719, OMIM 606764, HP:0100723.

Submission:

Labcorp Genetics (formerly Invitae), Labcorp
Classification: Uncertain significance for Gastrointestinal stromal tumor. Last evaluated: 2025-01-21. Review status: criteria provided, single submitter. Criteria: Invitae Variant Classification Sherloc (09022015). Collection method: clinical testing. Allele origin: germline.
Comment: This sequence change replaces glutamic acid, which is acidic and polar, with glycine, which is neutral and non-polar, at codon 695 of the KIT protein (p.Glu695Gly). This variant is not present in population databases (gnomAD no frequency). This variant has not been reported in the literature in individuals affected with KIT-related conditions. An algorithm developed to predict the effect of missense changes on protein structure and function (PolyPhen-2) suggests that this variant is likely to be disruptive. In summary, the available evidence is currently insufficient to determine the role of this variant in disease. Therefore, it has been classified as a Variant of Uncertain Significance.

NM_000222.3(KIT):c.2084A>G (p.Glu695Gly)

Gene: KIT (KIT proto-oncogene, receptor tyrosine kinase; plus strand). Cytogenetic location: 4q12.
Variant type: single nucleotide variant.
Coding change: c.2084A>G on transcript NM_000222.3 (MANE Select); coding-DNA position 2084, A replaced by G.
Protein change: p.Glu695Gly; replaces glutamic acid 695 with glycine.
Molecular consequence: missense variant.
Genome position (GRCh38, 1-based): chr4:54,729,428, A>G. VCF-style: chr4-54729428-A-G. GRCh37 (hg19) VCF-style: chr4-55595594-A-G.
Other names: c.2072A>G, p.Glu691Gly (NM_001093772.2, NM_001385286.1); c.2087A>G, p.Glu696Gly (NM_001385284.1, NM_001385290.1); c.2084A>G, p.Glu695Gly (NM_001385285.1); c.2075A>G, p.Glu692Gly (NM_001385288.1, NM_001385292.1); short protein forms E696G, E691G, E692G, E695G.
Identifiers: ClinVar variation 3708904 (VCV003708904.2).